The following is an entry in ClinVar:

ClinVar aggregate classification (germline): Uncertain significance. Review status: criteria provided, multiple submitters, no conflicts (2 of 4 stars). 2 submissions from 2 submitters: Uncertain significance (2). Last evaluated 2026-08-11.

Conditions:
Pulmonary fibrosis and/or bone marrow failure, Telomere-related, 3. Also called: PULMONARY FIBROSIS AND/OR BONE MARROW FAILURE SYNDROME, TELOMERE-RELATED, 3. Identifiers: Orphanet 2032, MedGen C4225346, MONDO:0014613, OMIM 616373.
Inborn genetic diseases. Identifiers: MedGen C0950123, MeSH D030342.

gnomAD v4.1: 2 of 1,614,104 alleles (0.00012%); no homozygotes.

Submissions (2):

Ambry Genetics
Classification: Uncertain significance for Inborn genetic diseases. Last evaluated: 2026-08-11. Review status: criteria provided, single submitter. Criteria: Ambry Variant Classification Scheme 2023. Collection method: clinical testing. Allele origin: germline.
Comment: The p.I146M variant (also known as c.438C>G), located in coding exon 4 of the RTEL1 gene, results from a C to G substitution at nucleotide position 438. The isoleucine at codon 146 is replaced by methionine, an amino acid with highly similar properties. This amino acid position is conserved. In addition, the in silico prediction for this alteration is inconclusive. Based on the available evidence, the clinical significance of this variant remains unclear.

OLLIN Analises Genomicas, OLLIN
Classification: Uncertain significance for Pulmonary fibrosis and/or bone marrow failure, Telomere-related, 3. Last evaluated: 2026-08-06. Review status: criteria provided, single submitter. Criteria: ACMG Guidelines 2015 PMID 25741868. Collection method: clinical testing. Allele origin: germline. Inheritance: Autosomal dominant inheritance.
Comment: This missense variant, located in exon 5 (of 35), has been reported in ClinVar (accession VCV002925203.4) and in gnomAD with an allele frequency of 0.00012%. However, to our knowledge, it has not been reported in the scientific literature. In silico analysis is inconclusive regarding the impact of this variant. According to the currently available evidence, this variant has been classified as uncertain significance (PM2_P).

NM_001283009.2(RTEL1):c.438C>G (p.Ile146Met)

Genes: RTEL1 (regulator of telomere elongation helicase 1; plus strand), RTEL1-TNFRSF6B (RTEL1-TNFRSF6B readthrough (NMD candidate); plus strand). Cytogenetic location: 20q13.33.
Variant type: single nucleotide variant.
Coding change: c.438C>G on transcript NM_001283009.2 (MANE Select); coding-DNA position 438, C replaced by G.
Protein change: p.Ile146Met; replaces isoleucine 146 with methionine.
Molecular consequence: missense variant. On other transcripts: non-coding transcript variant (1), 5 prime UTR variant (1).
Genome position (GRCh38, 1-based): chr20:63,662,588, C>G. VCF-style: chr20-63662588-C-G. GRCh37 (hg19) VCF-style: chr20-62293941-C-G.
Other names: c.-232C>G (NM_001283010.1); c.438C>G, p.Ile146Met (NM_016434.4); c.510C>G, p.Ile170Met (NM_032957.5); short protein forms I170M, I146M.
Identifiers: ClinVar variation 5002915 (VCV005002915.2).